The following is an entry in ClinVar:

NM_023014.1(PRAMEF2):c.82A>G (p.Met28Val)

Gene: PRAMEF2 (PRAME family member 2; plus strand). Cytogenetic location: 1p36.21.
Variant type: single nucleotide variant.
Coding change: c.82A>G on transcript NM_023014.1 (MANE Select); coding-DNA position 82, A replaced by G.
Protein change: p.Met28Val; replaces methionine 28 with valine.
Molecular consequence: missense variant.
Genome position (GRCh38, 1-based): chr1:12,859,091, A>G. VCF-style: chr1-12859091-A-G. GRCh37 (hg19) VCF-style: chr1-12918946-A-G.
Other names: short protein forms M28V.
Identifiers: ClinVar variation 3025843 (VCV003025843.22), dbSNP rs138495825, ClinGen allele CA607866.
Genomic context (GRCh38, chr1:12,859,091, plus strand): 5'-AGACTACTGGAGCTGGCGGGGCAGAGCCTGCTGAGAGACCAGGCCTTGTCCATCTCTGCC[A>G]TGGAGGAGCTGCCCAGGGTGCTCTATCTCCCACTCTTCAGGGAGGCCTTCAGCAGGAGAC-3'
Protein context (NP_075390.1, residues 18-38): LRDQALSISA[Met28Val]EELPRVLYLP

ClinVar aggregate classification (germline): Likely benign (1 of 4 stars; one submission).

Allele frequency attached by ClinVar (database versions not stated): ExAC 0.00240; 1000 Genomes Project 0.00859.

Submission:

CeGaT Center for Human Genetics Tuebingen
Classification: Likely benign. Last evaluated: 2024-01-01. Review status: criteria provided, single submitter. Criteria: CeGaT Center For Human Genetics Tuebingen Variant Classification Criteria Version 2. Collection method: clinical testing. Allele origin: germline. Affected: yes. Observed: 1 variant allele.
Comment: PRAMEF2: BS2